The following is an entry in ClinVar:

NM_004369.4(COL6A3):c.6210+1G>A

Gene: COL6A3 (collagen type VI alpha 3 chain; minus strand). Cytogenetic location: 2q37.3.
Variant type: single nucleotide variant.
Coding change: c.6210+1G>A on transcript NM_004369.4 (MANE Select); the canonical splice donor site of the intron after coding-DNA position 6210, G replaced by A.
Molecular consequence: splice donor variant.
Genome position (GRCh38, 1-based): chr2:237,361,120, C>T on the plus strand (G>A on the coding strand, the complement: COL6A3 is on the minus strand). VCF-style: chr2-237361120-C-T. GRCh37 (hg19) VCF-style: chr2-238269763-C-T.
Other names: IVS16DS, G-A, +1; c.4389+1G>A (NM_057166.5); c.5592+1G>A (NM_057167.4).
Identifiers: ClinVar variation 94956 (VCV000094956.60), dbSNP rs398124126, ClinGen allele CA222636.
Genomic context (GRCh38, chr2:237,361,120, plus strand): 5'-CCCAATGGGTAAGGATCAAGGAGGGGGTGAAATTTTAGGGACTAAAACAATTTTTACTTA[C>T]GGGTCCACCCTCATCACCAGGATAGCCTCGGTAGCCGTCTTCTCCAGGAATACCCTGAAA-3'

ClinVar aggregate classification (germline): Pathogenic. Review status: criteria provided, multiple submitters, no conflicts (2 of 4 stars). 13 submissions from 13 submitters: Pathogenic (8). 5 of the submissions do not count toward it. Last evaluated 2026-01-26.

Conditions:
Bethlem myopathy 1C (BTHLM1C). Identifiers: MedGen C5935581, MONDO:0958234, OMIM 620726.
Ullrich congenital muscular dystrophy 1C (UCMD1C). Identifiers: MedGen C5935583, MONDO:0958236, OMIM 620728.
Collagen 6-related myopathy. Identifiers: MedGen CN117976, MONDO:0100225.
Ullrich congenital muscular dystrophy 1A. Also called: Ullrich congenital muscular dystrophy 1; Intermediate COL6-RD. Identifiers: Orphanet 75840, MedGen C0410179, MONDO:0009681, OMIM 254090.
Bethlem myopathy 1A. Also called: MYOPATHY, BENIGN CONGENITAL, WITH CONTRACTURES; Bethlem myopathy 1; Bethlem Muscular Dystrophy. Identifiers: Orphanet 610, MedGen CN029274, MONDO:0024530, OMIM 158810.

Submissions (13):

Medical and Scientific Branch, Hong Kong Genome Institute
Classification: Pathogenic for Collagen 6-related myopathy. Last evaluated: 2026-01-26. Review status: criteria provided, single submitter. Criteria: ACMG Guidelines, 2015. Collection method: clinical testing. Allele origin: de novo. Affected: yes.

Labcorp Genetics (formerly Invitae), Labcorp
Classification: Pathogenic for Bethlem myopathy 1A. Last evaluated: 2025-10-14. Review status: criteria provided, single submitter. Criteria: Invitae Variant Classification Sherloc (09022015). Collection method: clinical testing. Allele origin: germline.
Comment: This sequence change affects a donor splice site in intron 16 of the COL6A3 gene. It is expected to disrupt RNA splicing. Variants that disrupt the donor or acceptor splice site typically lead to a loss of protein function (PMID: 16199547), and loss-of-function variants in COL6A3 are known to be disease-causing for autosomal recessive COL6A3-related conditions (PMID: 21280092, 20976770). However, certain variants affecting donor or acceptor splice sites in the triple helical domain of COL6A3 are expected to result in in-frame exon skipping and have been reported to cause autosomal dominant COL6A3-related conditions (PMID: 18366090). This variant is not present in population databases (gnomAD no frequency). Disruption of this splice site has been observed in individual(s) with autosomal dominant Ullrich congenital muscular dystrophy (PMID: 15563506). In at least one individual the variant was observed to be de novo. ClinVar contains an entry for this variant (Variation ID: 94956). Studies have shown that disruption of this splice site results in skipping of exon 16, but is expected to preserve the integrity of the reading-frame (PMID: 15563506). For these reasons, this variant has been classified as Pathogenic.

Genomic Medicine Center of Excellence, King Faisal Specialist Hospital and Research Centre
Classification: Pathogenic for Bethlem myopathy 1C. Last evaluated: 2025-09-10. Review status: criteria provided, single submitter. Criteria: ACMG Guidelines, 2015. Collection method: clinical testing. Allele origin: germline.

GeneDx
Classification: Pathogenic. Last evaluated: 2022-12-05. Review status: criteria provided, single submitter. Criteria: GeneDx Variant Classification Process June 2021. Collection method: clinical testing. Allele origin: germline. Affected: yes.
Comment: Not observed at significant frequency in large population cohorts (gnomAD); Deletions involving coding exons of this gene are a known mechanism of disease (HGMD); Different splice changes at this residue (c.6210+1G>C) and (c.6210+1G>T) and in nearby residues have been reported in the Human Gene Mutation Database and in the published literature (Stenson et al., 2014; D'Amico et al., 2017; Brias et al., 2010); This variant is associated with the following publications: (PMID: 25525159, 24907562, 15689448, 24314752, 18160674, 19015158, 22075033, 34167565, 34006472, 31127727, 35832501, 20301676, 18366090, 17785673, 20976770, 15563506)

CeGaT Center for Human Genetics Tuebingen
Classification: Pathogenic. Last evaluated: 2022-07-01. Review status: criteria provided, single submitter. Criteria: CeGaT Center For Human Genetics Tuebingen Variant Classification Criteria Version 2. Collection method: clinical testing. Allele origin: germline. Affected: yes. Observed: 2 variant alleles.
Comment: COL6A3: PS2:Very Strong, PVS1:Strong, PM1, PM2, PS4:Moderate, PS3:Supporting

Clinical Genetics Laboratory, Skane University Hospital Lund
Classification: Pathogenic. Last evaluated: 2022-05-27. Review status: criteria provided, single submitter. Criteria: ACMG Guidelines, 2015. Collection method: clinical testing. Allele origin: germline. Affected: yes.

Baylor Genetics
Classification: Pathogenic for Ullrich congenital muscular dystrophy 1A. Last evaluated: 2017-09-01. Review status: criteria provided, single submitter. Criteria: ACMG Guidelines, 2015. Collection method: clinical testing. Allele origin: de novo. Inheritance: Autosomal unknown. Affected: yes.

Eurofins Ntd Llc (ga)
Classification: Pathogenic. Last evaluated: 2015-01-27. Review status: criteria provided, single submitter. Criteria: EGL Classification Definitions. Collection method: clinical testing. Allele origin: germline. Observed: 3 variant alleles, 3 heterozygotes.

Beijing Key Laboratory for Genetic Research of Skeletal Deformity, Peking Union Medical College Hospital
Classification: Pathogenic for Ullrich congenital muscular dystrophy 1A. Last evaluated: 2019-05-31. Review status: no assertion criteria provided. Collection method: research. Allele origin: de novo. Affected: yes. Not counted in ClinVar's aggregate classification.

OMIM
Classification: Pathogenic for ULLRICH CONGENITAL MUSCULAR DYSTROPHY 1C, AUTOSOMAL DOMINANT. Last evaluated: 2009-07-07. Review status: no assertion criteria provided. Collection method: literature only. Allele origin: germline. Not counted in ClinVar's aggregate classification.

Clinical Genetics, Academic Medical Center
Classification: Pathogenic. Review status: no assertion criteria provided. Collection method: clinical testing. Allele origin: germline. Affected: yes. Study: VKGL Data-share Consensus. Not counted in ClinVar's aggregate classification.

GeneReviews
No classification provided. Condition: Bethlem myopathy 1A. Review status: no classification provided. Collection method: literature only. Allele origin: germline. Not counted in ClinVar's aggregate classification.
Comment: Common variant that results in exon 16 skipping

Joint Genome Diagnostic Labs from Nijmegen and Maastricht, Radboudumc and MUMC+
Classification: Pathogenic. Review status: no assertion criteria provided. Collection method: clinical testing. Allele origin: germline. Affected: yes. Study: VKGL Data-share Consensus. Not counted in ClinVar's aggregate classification.

Literature cited by the submitters: PubMed 16199547 (cited by Labcorp Genetics (formerly Invitae), Labcorp); PubMed 21280092 (cited by Labcorp Genetics (formerly Invitae), Labcorp); PubMed 20976770 (cited by Labcorp Genetics (formerly Invitae), Labcorp and GeneReviews); PubMed 18366090 (cited by Labcorp Genetics (formerly Invitae), Labcorp); PubMed 15563506 (cited by 3 submitters); PubMed 19564581 (cited by Baylor Genetics and OMIM); PubMed 25326635 (cited by Baylor Genetics); PubMed 24271325 (cited by GeneReviews); PubMed 24518369 (cited by GeneReviews); PubMed 29419890 (cited by GeneReviews); PubMed 20301676 (cited by GeneReviews).